The following is an entry in ClinVar:

NM_014918.5(CHSY1):c.283C>T (p.Gln95Ter)

Genes: CHSY1 (chondroitin sulfate synthase 1; minus strand), LOC130058068 (ATAC-STARR-seq lymphoblastoid silent region 6885; plus strand). Cytogenetic location: 15q26.3.
Variant type: single nucleotide variant.
Coding change: c.283C>T on transcript NM_014918.5 (MANE Select); coding-DNA position 283, C replaced by T.
Protein change: p.Gln95Ter; replaces glutamine 95 with a stop codon.
Molecular consequence: nonsense.
Genome position (GRCh38, 1-based): chr15:101,251,174, G>A on the plus strand (C>T on the coding strand, the complement: CHSY1 is on the minus strand). VCF-style: chr15-101251174-G-A. GRCh37 (hg19) VCF-style: chr15-101791379-G-A.
Other names: short protein forms Q95*.
Identifiers: ClinVar variation 4856966 (VCV004856966.2).

ClinVar aggregate classification (germline): Likely pathogenic (1 of 4 stars; one submission).

Submission:

Dasa
Classification: Likely pathogenic. Last evaluated: 2026-03-04. Review status: criteria provided, single submitter. Criteria: DASA Assertion Criteria. Collection method: clinical testing. Allele origin: germline.
Comment: NM_014918.5(CHSY1):c.283C>T (p.Gln95*) is a nonsense variant in CHSY1 predicted to introduce a premature termination codon and is predicted to result in an absent or altered protein product. Loss of function is an established disease mechanism for CHSY1-associated disorders. Also, this variant is rare in population databases. Based on the currently available evidence, this variant is classified as likely pathogenic.